The following is an entry in ClinVar:

NM_004370.6(COL12A1):c.1177G>A (p.Asp393Asn)

Gene: COL12A1 (collagen type XII alpha 1 chain; minus strand). Cytogenetic location: 6q13.
Variant type: single nucleotide variant.
Coding change: c.1177G>A on transcript NM_004370.6 (MANE Select); coding-DNA position 1177, G replaced by A.
Protein change: p.Asp393Asn; replaces aspartic acid 393 with asparagine.
Molecular consequence: missense variant. On other transcripts: intron variant (1).
Genome position (GRCh38, 1-based): chr6:75,183,965, C>T on the plus strand (G>A on the coding strand, the complement: COL12A1 is on the minus strand). VCF-style: chr6-75183965-C-T. GRCh37 (hg19) VCF-style: chr6-75893681-C-T.
Other names: c.73+18755G>A (NM_080645.3); short protein forms D393N.
Identifiers: ClinVar variation 573993 (VCV000573993.11), dbSNP rs369309158, ClinGen allele CA3894249.
Genomic context (GRCh38, chr6:75,183,965, plus strand): 5'-TGGATGTCATTCCCTTCATGGCGGAAACACTGATCTGGTATTCTGTGTCTGCTGAGAGGT[C>T]GCGAACACTGAGCGTGGTTGTCTGAGGCCCCACACTCAGAGCGTGCTGTCGGCTTCCTGC-3'
Protein context (NP_004361.3, residues 383-403): GPQTTTLSVR[Asp393Asn]LSADTEYQIS

ClinVar aggregate classification (germline): Uncertain significance. Review status: criteria provided, multiple submitters, no conflicts (2 of 4 stars). 2 submissions from 2 submitters: Uncertain significance (2). Last evaluated 2024-03-26.

Conditions:
Ullrich congenital muscular dystrophy 2 (UCMD2). Identifiers: Orphanet 75840, MedGen C4225314, MONDO:0014654, OMIM 616470.
Bethlem myopathy 2 (BTHLM2). Identifiers: Orphanet 536516, Orphanet 610, MedGen C4225313, MONDO:0034022, OMIM 616471.

Allele frequency attached by ClinVar (database versions not stated): gnomAD 0.00001; gnomAD exomes 0.00001; TOPMed 0.00001; ExAC 0.00002; ESP Exome Variant Server 0.00008.
gnomAD v4.1: 5 of 1,614,012 alleles (0.00031%); highest among the groups gnomAD compares: Admixed American, 0.0017%; no homozygotes.

Submissions (2):

Women's Health and Genetics/Laboratory Corporation of America, LabCorp
Classification: Uncertain significance. Last evaluated: 2024-03-26. Review status: criteria provided, single submitter. Criteria: LabCorp Variant Classification Summary - May 2015. Collection method: clinical testing. Allele origin: germline.
Comment: Variant summary: COL12A1 c.1177G>A (p.Asp393Asn) results in a conservative amino acid change located in the Fibronectin type III (IPR003961) of the encoded protein sequence. Three of five in-silico tools predict a damaging effect of the variant on protein function. The variant allele was found at a frequency of 1.2e-05 in 249400 control chromosomes (gnomAD). The available data on variant occurrences in the general population are insufficient to allow any conclusion about variant significance. To our knowledge, no occurrence of c.1177G>A in individuals affected with Bethlem Myopathy 2 and no experimental evidence demonstrating its impact on protein function have been reported. ClinVar contains an entry for this variant (Variation ID: 573993). Based on the evidence outlined above, the variant was classified as uncertain significance.

Labcorp Genetics (formerly Invitae), Labcorp
Classification: Uncertain significance for Bethlem myopathy 2; Ullrich congenital muscular dystrophy 2. Last evaluated: 2024-02-24. Review status: criteria provided, single submitter. Criteria: Invitae Variant Classification Sherloc (09022015). Collection method: clinical testing. Allele origin: germline.
Comment: This sequence change replaces aspartic acid, which is acidic and polar, with asparagine, which is neutral and polar, at codon 393 of the COL12A1 protein (p.Asp393Asn). This variant is present in population databases (rs369309158, gnomAD 0.006%). This variant has not been reported in the literature in individuals affected with COL12A1-related conditions. ClinVar contains an entry for this variant (Variation ID: 573993). Advanced modeling of protein sequence and biophysical properties (such as structural, functional, and spatial information, amino acid conservation, physicochemical variation, residue mobility, and thermodynamic stability) has been performed at Invitae for this missense variant, however the output from this modeling did not meet the statistical confidence thresholds required to predict the impact of this variant on COL12A1 protein function. In summary, the available evidence is currently insufficient to determine the role of this variant in disease. Therefore, it has been classified as a Variant of Uncertain Significance.